The following is an entry in ClinVar:

NM_014629.4(ARHGEF10):c.2460C>G (p.Asn820Lys)

Gene: ARHGEF10 (Rho guanine nucleotide exchange factor 10; plus strand). Cytogenetic location: 8p23.3.
Variant type: single nucleotide variant.
Coding change: c.2460C>G on transcript NM_014629.4 (MANE Select); coding-DNA position 2460, C replaced by G.
Protein change: p.Asn820Lys; replaces asparagine 820 with lysine.
Molecular consequence: missense variant.
Genome position (GRCh38, 1-based): chr8:1,923,846, C>G. VCF-style: chr8-1923846-C-G. GRCh37 (hg19) VCF-style: chr8-1872012-C-G.
Other names: c.2346C>G, p.Asn782Lys (NM_001308152.2); c.2460C>G, p.Asn820Lys (NM_001308153.3); short protein forms N844K, N820K, N782K.
Identifiers: ClinVar variation 930476 (VCV000930476.13), dbSNP rs61758704, ClinGen allele CA4600880.

ClinVar aggregate classification (germline): Uncertain significance. Review status: criteria provided, multiple submitters, no conflicts (2 of 4 stars). 4 submissions from 4 submitters: Uncertain significance (4). Last evaluated 2025-09-02.

Conditions:
Autosomal dominant slowed nerve conduction velocity. Identifiers: Orphanet 140481, MedGen C1842357, MONDO:0011998, OMIM 608236.

Allele frequency attached by ClinVar (database versions not stated): gnomAD exomes 0.00006; ExAC 0.00007; TOPMed 0.00007; ESP Exome Variant Server 0.00008; gnomAD 0.00008 and 0.00009.
gnomAD v4.1: 161 of 1,614,060 alleles (0.01%); highest among the groups gnomAD compares: Non-Finnish European, 0.013%; no homozygotes.

Submissions (4):

Labcorp Genetics (formerly Invitae), Labcorp
Classification: Uncertain significance. Last evaluated: 2025-09-02. Review status: criteria provided, single submitter. Criteria: Invitae Variant Classification Sherloc (09022015). Collection method: clinical testing. Allele origin: germline.
Comment: This sequence change replaces asparagine, which is neutral and polar, with lysine, which is basic and polar, at codon 820 of the ARHGEF10 protein (p.Asn820Lys). This variant is present in population databases (rs61758704, gnomAD 0.01%). This variant has not been reported in the literature in individuals affected with ARHGEF10-related conditions. ClinVar contains an entry for this variant (Variation ID: 930476). Invitae Evidence Modeling of protein sequence and biophysical properties (such as structural, functional, and spatial information, amino acid conservation, physicochemical variation, residue mobility, and thermodynamic stability) has been performed for this missense variant. However, the output from this modeling did not meet the statistical confidence thresholds required to predict the impact of this variant on ARHGEF10 protein function. In summary, the available evidence is currently insufficient to determine the role of this variant in disease. Therefore, it has been classified as a Variant of Uncertain Significance.

Ambry Genetics
Classification: Uncertain significance. Last evaluated: 2023-11-20. Review status: criteria provided, single submitter. Criteria: Ambry Variant Classification Scheme 2023. Collection method: clinical testing. Allele origin: germline.

Department of Pathology and Laboratory Medicine, Sinai Health System
Classification: Uncertain significance for autosomal dominant slowed nerve conduction velocity. Last evaluated: 2022-02-10. Review status: criteria provided, single submitter. Criteria: ACMG Guidelines, 2015. Collection method: research. Allele origin: germline.

Centre for Mendelian Genomics, University Medical Centre Ljubljana
Classification: Uncertain significance for Autosomal dominant slowed nerve conduction velocity. Last evaluated: 2019-06-10. Review status: criteria provided, single submitter. Criteria: ACMG Guidelines, 2015. Collection method: clinical testing. Allele origin: unknown. Affected: yes.
Comment: This variant was classified as: Uncertain significance. The available evidence on this variant's pathogenicity is insufficient or conflicting.